The following is an entry in ClinVar:

NM_000368.5(TSC1):c.857del (p.Pro286fs)

Gene: TSC1 (TSC complex subunit 1; minus strand). Cytogenetic location: 9q34.13.
Variant type: Deletion.
Coding change: c.857del on transcript NM_000368.5 (MANE Select); coding-DNA position 857, one base deleted (C; older notation c.857delC).
Protein change: p.Pro286fs; shifts the reading frame from proline 286.
Molecular consequence: frameshift variant. On other transcripts: 5 prime UTR variant (5), non-coding transcript variant (5).
Genome position (GRCh38, 1-based): chr9:132,912,338, G deleted on the plus strand (C on the coding strand, the reverse complement: TSC1 is on the minus strand); the first of 2 consecutive G bases (chr9:132,912,338-132,912,339); deleting either gives the same sequence. VCF-style (leftmost placement, unchanged base first): chr9-132912337-AG-A. GRCh37 (hg19) VCF-style: chr9-135787724-AG-A.
Other names: c.494del, p.Pro165fs (NM_001406618.1, NM_001406619.1, NM_001406620.1 and 10 more transcripts); c.-95del (NM_001406626.1, NM_001406627.1, NM_001406628.1); c.857del, p.Pro286fs (NM_001162426.2, NM_001406592.1, NM_001406593.1 and 16 more transcripts); c.704del, p.Pro235fs (NM_001162427.2, NM_001406610.1, NM_001406611.1 and 2 more transcripts); c.-237del (NM_001406629.1, NM_001406630.1); short protein forms P286fs, P235fs, P165fs.
Identifiers: ClinVar variation 2698543 (VCV002698543.3), dbSNP rs2538889832, ClinGen allele CA2697558153.

ClinVar aggregate classification (germline): Pathogenic (1 of 4 stars; one submission).

Conditions:
Tuberous sclerosis 1 (TSC1). Identifiers: Orphanet 805, MedGen C1854465, MONDO:0008612, OMIM 191100.

Submission:

Labcorp Genetics (formerly Invitae), Labcorp
Classification: Pathogenic for Tuberous sclerosis 1. Last evaluated: 2023-11-24. Review status: criteria provided, single submitter. Criteria: Invitae Variant Classification Sherloc (09022015). Collection method: clinical testing. Allele origin: germline.
Comment: This sequence change creates a premature translational stop signal (p.Pro286Leufs*32) in the TSC1 gene. It is expected to result in an absent or disrupted protein product. Loss-of-function variants in TSC1 are known to be pathogenic (PMID: 10227394, 17304050). This variant is not present in population databases (gnomAD no frequency). This variant has not been reported in the literature in individuals affected with TSC1-related conditions. For these reasons, this variant has been classified as Pathogenic.

Literature cited by the submitters: PubMed 10227394; PubMed 17304050.